The following is an entry in ClinVar:

NM_002354.3(EPCAM):c.35T>G (p.Leu12Arg)

Gene: EPCAM (epithelial cell adhesion molecule; plus strand). Cytogenetic location: 2p21.
Variant type: single nucleotide variant.
Coding change: c.35T>G on transcript NM_002354.3 (MANE Select); coding-DNA position 35, T replaced by G.
Protein change: p.Leu12Arg; replaces leucine 12 with arginine.
Molecular consequence: missense variant.
Genome position (GRCh38, 1-based): chr2:47,369,540, T>G. VCF-style: chr2-47369540-T-G. GRCh37 (hg19) VCF-style: chr2-47596679-T-G.
Other names: short protein forms L12R.
Identifiers: ClinVar variation 3381183 (VCV003381183.2).

ClinVar aggregate classification (germline): Uncertain significance (1 of 4 stars; one submission).

Conditions:
Congenital diarrhea 5 with tufting enteropathy. Also called: INTESTINAL EPITHELIAL CELL DYSPLASIA; Congenital tufting enteropathy. Identifiers: Orphanet 92050, MedGen C2750737, MONDO:0013184, OMIM 613217.

Submission:

Intergen Genetics and Rare Diseases Diagnosis Center
Classification: Uncertain significance for Congenital diarrhea 5 with tufting enteropathy. Last evaluated: 2024-11-20. Review status: criteria provided, single submitter. Criteria: ACMG Guidelines, 2015. Collection method: clinical testing. Allele origin: biparental. Inheritance: Autosomal recessive inheritance. Affected: yes. Observed: 1 homozygote.
Comment: Clinical features are compatible with the disease.